The following is an entry in ClinVar:

NM_000203.5(IDUA):c.637_645dup (p.Ser213_Ala215dup)

Gene: IDUA (alpha-L-iduronidase; plus strand). Cytogenetic location: 4p16.3.
Variant type: Duplication.
Coding change: c.637_645dup on transcript NM_000203.5 (MANE Select); coding-DNA positions 637 to 645, 9 bases duplicated (AGCCCCGCC; older notation c.637_645dupAGCCCCGCC).
Protein change: p.Ser213_Ala215dup.
Molecular consequence: inframe insertion. On other transcripts: non-coding transcript variant (1).
Genome position (GRCh38, 1-based): chr4:1,001,726-1,001,734, AGCCCCGCC duplicated; duplicating any 9 consecutive bases within chr4:1,001,721-1,001,734 gives the same sequence; the c. name uses the placement nearest the transcript's 3' end. VCF-style (leftmost placement, unchanged base first): chr4-1001720-G-GCCGCCAGCC. GRCh37 (hg19) VCF-style: chr4-995508-G-GCCGCCAGCC.
Other names: c.241_249dup, p.Ser81_Ala83dup (NM_001363576.1).
Identifiers: ClinVar variation 557528 (VCV000557528.9), dbSNP rs760582777, ClinGen allele CA2802039.

ClinVar aggregate classification (germline): Uncertain significance. Review status: criteria provided, multiple submitters, no conflicts (2 of 4 stars). 3 submissions from 3 submitters: Uncertain significance (2). 1 of the submissions does not count toward it. Last evaluated 2023-10-23.

Conditions:
Mucopolysaccharidosis type 1. Also called: Mucopolysaccharidosis Type I; IDUA deficiency; MPS I. Identifiers: Orphanet 579, MedGen C0023786, MONDO:0001586.
Hurler syndrome. Also called: Gargoylism, Hurler Syndrome; MUCOPOLYSACCHARIDOSIS TYPE IH; Severe MPS I (Hurler Syndrome). Identifiers: Orphanet 93473, MedGen C0086795, MONDO:0011758, OMIM 607014.

Submissions (3):

Revvity Omics, Revvity
Classification: Uncertain significance. Last evaluated: 2023-10-23. Review status: criteria provided, single submitter. Criteria: ACMG Guidelines, 2015. Collection method: clinical testing. Allele origin: germline.

Labcorp Genetics (formerly Invitae), Labcorp
Classification: Uncertain significance for Mucopolysaccharidosis type 1. Last evaluated: 2022-08-05. Review status: criteria provided, single submitter. Criteria: Invitae Variant Classification Sherloc (09022015). Collection method: clinical testing. Allele origin: germline.
Comment: This variant, c.637_645dup, results in the insertion of 3 amino acid(s) of the IDUA protein (p.Ser213_Ala215dup), but otherwise preserves the integrity of the reading frame. This variant is present in population databases (rs760582777, gnomAD 0.007%). This variant has not been reported in the literature in individuals affected with IDUA-related conditions. ClinVar contains an entry for this variant (Variation ID: 557528). Experimental studies and prediction algorithms are not available or were not evaluated, and the functional significance of this variant is currently unknown. In summary, the available evidence is currently insufficient to determine the role of this variant in disease. Therefore, it has been classified as a Variant of Uncertain Significance.

Counsyl
Classification: Uncertain significance for Hurler syndrome. Last evaluated: 2018-03-28. Review status: no assertion criteria provided. Collection method: clinical testing. Allele origin: unknown. Not counted in ClinVar's aggregate classification.